The following is an entry in ClinVar:

ClinVar aggregate classification (germline): Uncertain significance (1 of 4 stars; one submission).

Conditions:
Multiple endocrine neoplasia, type 1 (MEN1). Also called: MEN I; WERMER SYNDROME; Endocrine adenomatosis multiple; MEN 1; MEA I. Identifiers: Orphanet 652, MedGen C0025267, MeSH D018761, MONDO:0007540, OMIM 131100.

Submission:

Labcorp Genetics (formerly Invitae), Labcorp
Classification: Uncertain significance for Multiple endocrine neoplasia, type 1. Last evaluated: 2018-05-15. Review status: criteria provided, single submitter. Criteria: Invitae Variant Classification Sherloc (09022015). Collection method: clinical testing. Allele origin: germline.
Comment: This sequence change replaces glycine with arginine at codon 271 of the MEN1 protein (p.Gly271Arg). The glycine residue is highly conserved and there is a moderate physicochemical difference between glycine and arginine. This variant is not present in population databases (ExAC no frequency). In summary, the available evidence is currently insufficient to determine the role of this variant in disease. Therefore, it has been classified as a Variant of Uncertain Significance. Algorithms developed to predict the effect of missense changes on protein structure and function (SIFT, PolyPhen-2, Align-GVGD) all suggest that this variant is likely to be disruptive, but these predictions have not been confirmed by published functional studies and their clinical significance is uncertain. This variant has not been reported in the literature in individuals with MEN1-related disease.

NM_001370259.2(MEN1):c.811G>A (p.Gly271Arg)

Gene: MEN1 (menin 1; minus strand). Cytogenetic location: 11q13.1.
Variant type: single nucleotide variant.
Coding change: c.811G>A on transcript NM_001370259.2 (MANE Select); coding-DNA position 811, G replaced by A.
Protein change: p.Gly271Arg; replaces glycine 271 with arginine.
Molecular consequence: missense variant.
Genome position (GRCh38, 1-based): chr11:64,807,192, C>T on the plus strand (G>A on the coding strand, the complement: MEN1 is on the minus strand). VCF-style: chr11-64807192-C-T. GRCh37 (hg19) VCF-style: chr11-64574664-C-T.
Other names: c.811G>A, p.Gly271Arg (NM_001370260.2, NM_001370261.2, NM_130799.3 and 1 more transcripts); c.706G>A, p.Gly236Arg (NM_001370262.2, NM_001370263.2); c.826G>A, p.Gly276Arg (NM_130804.3, NM_130800.3, NM_130801.3 and 3 more transcripts); short protein forms G271R, G276R, G236R.
Identifiers: ClinVar variation 581373 (VCV000581373.8), dbSNP rs1565645918, ClinGen allele CA381183918.
Genomic context (GRCh38, chr11:64,807,192, plus strand): 5'-GCCCCCCGGCCTCACCAGGCGCAGCCTGGCCACTTCCCTCTACTGACCTTTCCAGATGTC[C>T]CAGGTCATAGAGCAGCCAGAGCAGCTTCTAGGAGCCGAAGGAGAGAGTTATGAGCCACGG-3'
Protein context (NP_001357188.2, residues 261-281): QKLLWLLYDL[Gly271Arg]HLERYPMALG